The following is an entry in ClinVar:

NM_000384.3(APOB):c.11302A>C (p.Ile3768Leu)

Gene: APOB (apolipoprotein B; minus strand). Cytogenetic location: 2p24.1.
Variant type: single nucleotide variant.
Coding change: c.11302A>C on transcript NM_000384.3 (MANE Select); coding-DNA position 11302, A replaced by C.
Protein change: p.Ile3768Leu; replaces isoleucine 3768 with leucine.
Molecular consequence: missense variant.
Genome position (GRCh38, 1-based): chr2:21,005,566, T>G on the plus strand (A>C on the coding strand, the complement: APOB is on the minus strand). VCF-style: chr2-21005566-T-G. GRCh37 (hg19) VCF-style: chr2-21228438-T-G.
Other names: short protein forms I3768L.
Identifiers: ClinVar variation 1054933 (VCV001054933.11), dbSNP rs2103350823, ClinGen allele CA345979950.

ClinVar aggregate classification (germline): Uncertain significance (1 of 4 stars; one submission).

Conditions:
Familial hypobetalipoproteinemia 1. Also called: Hypobetalipoproteinemia, normotriglyceridemic; Acanthocytosis with hypobetalipoproteinemia; APOB-Related Familial Hypobetalipoproteinemia. Identifiers: MedGen C4551990, MONDO:0014252, OMIM 615558.
Hypercholesterolemia, autosomal dominant, type B (FHCL2). Also called: Familial hypercholesterolemia 2; APOB-Related Familial Hypercholesterolemia, Autosomal Dominant; Familial Hypercholesterolemia Type B; APOLIPOPROTEIN B-100, FAMILIAL DEFECTIVE; APOLIPOPROTEIN B-100, FAMILIAL LIGAND-DEFECTIVE; HYPERCHOLESTEROLEMIA, FAMILIAL, DUE TO LIGAND-DEFECTIVE APOLIPOPROTEIN B. Identifiers: MedGen C1704417, MONDO:0007751, OMIM 144010.

Submission:

Labcorp Genetics (formerly Invitae), Labcorp
Classification: Uncertain significance for Familial hypobetalipoproteinemia 1; Hypercholesterolemia, autosomal dominant, type B. Last evaluated: 2020-03-26. Review status: criteria provided, single submitter. Criteria: Invitae Variant Classification Sherloc (09022015). Collection method: clinical testing. Allele origin: germline.
Comment: This variant is not present in population databases (ExAC no frequency). Algorithms developed to predict the effect of missense changes on protein structure and function are either unavailable or do not agree on the potential impact of this missense change (SIFT: "Deleterious"; PolyPhen-2: "Benign"; Align-GVGD: "Class C0"). This variant has not been reported in the literature in individuals with APOB-related conditions. In summary, the available evidence is currently insufficient to determine the role of this variant in disease. Therefore, it has been classified as a Variant of Uncertain Significance. This sequence change replaces isoleucine with leucine at codon 3768 of the APOB protein (p.Ile3768Leu). The isoleucine residue is moderately conserved and there is a small physicochemical difference between isoleucine and leucine.